The following is an entry in ClinVar:

ClinVar aggregate classification (germline): Uncertain significance (1 of 4 stars; one submission).

Submission:

Labcorp Genetics (formerly Invitae), Labcorp
Classification: Uncertain significance. Last evaluated: 2022-03-27. Review status: criteria provided, single submitter. Criteria: Invitae Variant Classification Sherloc (09022015). Collection method: clinical testing. Allele origin: germline.
Comment: In summary, the available evidence is currently insufficient to determine the role of this variant in disease. Therefore, it has been classified as a Variant of Uncertain Significance. Algorithms developed to predict the effect of missense changes on protein structure and function are either unavailable or do not agree on the potential impact of this missense change (SIFT: "Deleterious"; PolyPhen-2: "Benign"; Align-GVGD: "Class C0"). This variant has not been reported in the literature in individuals affected with MBD4-related conditions. This variant is not present in population databases (gnomAD no frequency). This sequence change replaces aspartic acid, which is acidic and polar, with histidine, which is basic and polar, at codon 33 of the MBD4 protein (p.Asp33His).

NM_001276270.2(MBD4):c.97G>C (p.Asp33His)

Gene: MBD4 (methyl-CpG binding domain 4, DNA glycosylase; minus strand). Cytogenetic location: 3q21.3.
Variant type: single nucleotide variant.
Coding change: c.97G>C on transcript NM_001276270.2 (MANE Select); coding-DNA position 97, G replaced by C.
Protein change: p.Asp33His; replaces aspartic acid 33 with histidine.
Molecular consequence: missense variant.
Genome position (GRCh38, 1-based): chr3:129,439,737, C>G on the plus strand (G>C on the coding strand, the complement: MBD4 is on the minus strand). VCF-style: chr3-129439737-C-G. GRCh37 (hg19) VCF-style: chr3-129158580-C-G.
Other names: c.97G>C, p.Asp33His (NM_001276271.2, NM_001276272.2, NM_001276273.2 and 1 more transcripts); short protein forms D33H.
Identifiers: ClinVar variation 2118175 (VCV002118175.4), dbSNP rs2530757494, ClinGen allele CA354468819.